The following is an entry in ClinVar:

ClinVar aggregate classification (germline): Pathogenic (1 of 4 stars; one submission).

Conditions:
Mitochondrial complex V (ATP synthase) deficiency, nuclear type 2. Also called: Nuclear-Encoded ATPase Deficiency, TMEM70-Related; ENCEPHALOCARDIOMYOPATHY, MITOCHONDRIAL, NEONATAL, DUE TO ATP SYNTHASE DEFICIENCY; MITOCHONDRIAL COMPLEX V (ATP SYNTHASE) DEFICIENCY, TMEM70 TYPE. Identifiers: Orphanet 1194, MedGen C3279699, MONDO:0013546, OMIM 614052.

Submission:

Labcorp Genetics (formerly Invitae), Labcorp
Classification: Pathogenic for Mitochondrial complex V (ATP synthase) deficiency, nuclear type 2. Last evaluated: 2025-04-23. Review status: criteria provided, single submitter. Criteria: Invitae Variant Classification Sherloc (09022015). Collection method: clinical testing. Allele origin: germline.
Comment: This sequence change affects a donor splice site in intron 2 of the TMEM70 gene. While this variant is not anticipated to result in nonsense mediated decay, it likely alters RNA splicing and results in a disrupted protein product. This variant is not present in population databases (gnomAD no frequency). Disruption of this splice site has been observed in individual(s) with ATP synthase deficiency (PMID: 21147908, 30899493). In at least one individual the data is consistent with being in trans (on the opposite chromosome) from a pathogenic variant. It has also been observed to segregate with disease in related individuals. Variants that disrupt the consensus splice site are a relatively common cause of aberrant splicing (PMID: 17576681, 9536098). Algorithms developed to predict the effect of sequence changes on RNA splicing suggest that this variant may disrupt the consensus splice site. For these reasons, this variant has been classified as Pathogenic.

Literature cited by the submitters: PubMed 21147908; PubMed 30899493; PubMed 17576681; PubMed 9536098.

NM_017866.6(TMEM70):c.316+1G>C

Gene: TMEM70 (transmembrane protein 70; plus strand). Cytogenetic location: 8q21.11.
Variant type: single nucleotide variant.
Coding change: c.316+1G>C on transcript NM_017866.6 (MANE Select); the canonical splice donor site of the intron after coding-DNA position 316, G replaced by C.
Molecular consequence: splice donor variant. On other transcripts: missense variant (1).
Genome position (GRCh38, 1-based): chr8:73,978,862, G>C. VCF-style: chr8-73978862-G-C. GRCh37 (hg19) VCF-style: chr8-74891097-G-C.
Other names: c.317G>C, p.Gly106Ala (NM_001040613.3); short protein forms G106A.
Identifiers: ClinVar variation 4717817 (VCV004717817.1).